The following is an entry in ClinVar:

NM_001127208.3(TET2):c.3863G>T (p.Gly1288Val)

Genes: TET2 (tet methylcytosine dioxygenase 2; plus strand), TET2-AS1 (TET2 antisense RNA 1; minus strand). Cytogenetic location: 4q24.
Variant type: single nucleotide variant.
Coding change: c.3863G>T on transcript NM_001127208.3 (MANE Select); coding-DNA position 3863, G replaced by T.
Protein change: p.Gly1288Val; replaces glycine 1288 with valine.
Molecular consequence: missense variant.
Genome position (GRCh38, 1-based): chr4:105,259,678, G>T. VCF-style: chr4-105259678-G-T. GRCh37 (hg19) VCF-style: chr4-106180835-G-T.
Other names: short protein forms G1288V.
Identifiers: ClinVar variation 4717852 (VCV004717852.1).
Genomic context (GRCh38, chr4:105,259,678, plus strand): 5'-GGAGAACTTGCGCCTGTCAGGGGCTGGATCCAGAAACCTGTGGTGCCTCCTTCTCTTTTG[G>T]TTGTTCATGGAGCATGTACTACAATGGATGTAAGTTTGCCAGAAGCAAGATCCCAAGGAA-3'
Protein context (NP_001120680.1, residues 1278-1298): PETCGASFSF[Gly1288Val]CSWSMYYNGC

ClinVar aggregate classification (germline): Uncertain significance (1 of 4 stars; one submission).

Submission:

Labcorp Genetics (formerly Invitae), Labcorp
Classification: Uncertain significance. Last evaluated: 2025-04-18. Review status: criteria provided, single submitter. Criteria: Invitae Variant Classification Sherloc (09022015). Collection method: clinical testing. Allele origin: germline.
Comment: This sequence change replaces glycine, which is neutral and non-polar, with valine, which is neutral and non-polar, at codon 1288 of the TET2 protein (p.Gly1288Val). This variant is not present in population databases (gnomAD no frequency). This variant has not been reported in the literature in individuals affected with TET2-related conditions. An algorithm developed to predict the effect of missense changes on protein structure and function (PolyPhen-2) suggests that this variant is likely to be disruptive. In summary, the available evidence is currently insufficient to determine the role of this variant in disease. Therefore, it has been classified as a Variant of Uncertain Significance.